The following is an entry in ClinVar:

ClinVar aggregate classification (germline): Uncertain significance. Review status: criteria provided, multiple submitters, no conflicts (2 of 4 stars). 2 submissions from 2 submitters: Uncertain significance (2). Last evaluated 2024-10-18.

Allele frequency attached by ClinVar (database versions not stated): TOPMed below 0.00001; gnomAD 0.00001; gnomAD exomes 0.00001.
gnomAD v4.1: 11 of 1,586,158 alleles (0.00069%); highest among the groups gnomAD compares: African/African-American, 0.0013%; no homozygotes.

Submissions (2):

Labcorp Genetics (formerly Invitae), Labcorp
Classification: Uncertain significance. Last evaluated: 2024-10-18. Review status: criteria provided, single submitter. Criteria: Invitae Variant Classification Sherloc (09022015). Collection method: clinical testing. Allele origin: germline.
Comment: This sequence change replaces methionine, which is neutral and non-polar, with valine, which is neutral and non-polar, at codon 821 of the PLEKHM2 protein (p.Met821Val). This variant is not present in population databases (gnomAD no frequency). This variant has not been reported in the literature in individuals affected with PLEKHM2-related conditions. ClinVar contains an entry for this variant (Variation ID: 1039635). An algorithm developed to predict the effect of missense changes on protein structure and function (PolyPhen-2) suggests that this variant is likely to be disruptive. In summary, the available evidence is currently insufficient to determine the role of this variant in disease. Therefore, it has been classified as a Variant of Uncertain Significance.

Ambry Genetics
Classification: Uncertain significance. Last evaluated: 2024-07-30. Review status: criteria provided, single submitter. Criteria: Ambry Variant Classification Scheme 2023. Collection method: clinical testing. Allele origin: germline.

NM_015164.4(PLEKHM2):c.2461A>G (p.Met821Val)

Gene: PLEKHM2 (pleckstrin homology and RUN domain containing M2; plus strand). Cytogenetic location: 1p36.21.
Variant type: single nucleotide variant.
Coding change: c.2461A>G on transcript NM_015164.4 (MANE Select); coding-DNA position 2461, A replaced by G.
Protein change: p.Met821Val; replaces methionine 821 with valine.
Molecular consequence: missense variant.
Genome position (GRCh38, 1-based): chr1:15,731,253, A>G. VCF-style: chr1-15731253-A-G. GRCh37 (hg19) VCF-style: chr1-16057748-A-G.
Other names: c.2461A>G (NM_015164.2); short protein forms M821V.
Identifiers: ClinVar variation 1039635 (VCV001039635.9), dbSNP rs1453093500, ClinGen allele CA338572828.
Genomic context (GRCh38, chr1:15,731,253, plus strand): 5'-AACGGGATCCTCTACCAGTACCCGGACCGCACCGACGTCATCCCTCTGCTCTCGGTGAAC[A>G]TGGGGTAAGTGTCCCGGGAGAAGCGGGTGTATCCTGGGGCCCAGAGCTGCCGTTTCCCTG-3'
Protein context (NP_055979.2, residues 811-831): TDVIPLLSVN[Met821Val]GGEQCGGCRR